The following is an entry in ClinVar:

ClinVar aggregate classification (germline): Uncertain significance. Review status: criteria provided, multiple submitters, no conflicts (2 of 4 stars). 2 submissions from 2 submitters: Uncertain significance (2). Last evaluated 2025-09-28.

Allele frequency attached by ClinVar (database versions not stated): ExAC 0.00001; gnomAD 0.00001; TOPMed 0.00001; gnomAD exomes 0.00002 and 0.00009.
gnomAD v4.1: 124 of 1,600,270 alleles (0.0077%); highest among the groups gnomAD compares: Non-Finnish European, 0.01%; no homozygotes.

Submissions (2):

Labcorp Genetics (formerly Invitae), Labcorp
Classification: Uncertain significance. Last evaluated: 2025-09-28. Review status: criteria provided, single submitter. Criteria: Invitae Variant Classification Sherloc (09022015). Collection method: clinical testing. Allele origin: germline.
Comment: This sequence change replaces glutamic acid, which is acidic and polar, with lysine, which is basic and polar, at codon 1094 of the ITGAM protein (p.Glu1094Lys). This variant is present in population databases (rs769343217, gnomAD 0.003%). This variant has not been reported in the literature in individuals affected with ITGAM-related conditions. ClinVar contains an entry for this variant (Variation ID: 1505088). An algorithm developed to predict the effect of missense changes on protein structure and function (PolyPhen-2) suggests that this variant is likely to be tolerated. In summary, the available evidence is currently insufficient to determine the role of this variant in disease. Therefore, it has been classified as a Variant of Uncertain Significance.

Ambry Genetics
Classification: Uncertain significance. Last evaluated: 2023-08-28. Review status: criteria provided, single submitter. Criteria: Ambry Variant Classification Scheme 2023. Collection method: clinical testing. Allele origin: germline.

NM_000632.4(ITGAM):c.3280G>A (p.Glu1094Lys)

Gene: ITGAM (integrin subunit alpha M; plus strand). Cytogenetic location: 16p11.2.
Variant type: single nucleotide variant.
Coding change: c.3280G>A on transcript NM_000632.4 (MANE Select); coding-DNA position 3280, G replaced by A.
Protein change: p.Glu1094Lys; replaces glutamic acid 1094 with lysine.
Molecular consequence: missense variant.
Genome position (GRCh38, 1-based): chr16:31,331,168, G>A. VCF-style: chr16-31331168-G-A. GRCh37 (hg19) VCF-style: chr16-31342489-G-A.
Other names: c.3283G>A, p.Glu1095Lys (NM_001145808.2); c.3280G>A (NM_000632.3); short protein forms E1094K, E1095K.
Identifiers: ClinVar variation 1505088 (VCV001505088.10), dbSNP rs769343217, ClinGen allele CA8026152.
Genomic context (GRCh38, chr16:31,331,168, plus strand): 5'-GGGGAACCCCCAGAAATCCAGAGTCGTCTCCCCTGACGCCCCTCCTTCCTCCCCCAGACG[G>A]AGACCAAAGTGGAGCCGTTCGAGGTCCCCAACCCCCTGCCGCTCATCGTGGGCAGCTCTG-3'
Protein context (NP_000623.2, residues 1084-1104): GQGAFVRSQT[Glu1094Lys]TKVEPFEVPN